The following is an entry in ClinVar:

ClinVar aggregate classification (germline): Uncertain significance (1 of 4 stars; one submission).

gnomAD v4.1: 21 of 1,613,910 alleles (0.0013%); highest among the groups gnomAD compares: South Asian, 0.0033%; no homozygotes.

Submission:

GeneDx
Classification: Uncertain significance. Last evaluated: 2024-07-24. Review status: criteria provided, single submitter. Criteria: GeneDx Variant Classification Process June 2021. Collection method: clinical testing. Allele origin: germline. Affected: yes.
Comment: In silico analysis supports that this missense variant has a deleterious effect on protein structure/function; Has not been previously published as pathogenic or benign to our knowledge

NM_001170535.3(ATAD3A):c.220G>A (p.Ala74Thr)

Gene: ATAD3A (ATPase family AAA domain containing 3A; plus strand). Cytogenetic location: 1p36.33.
Variant type: single nucleotide variant.
Coding change: c.220G>A on transcript NM_001170535.3 (MANE Select); coding-DNA position 220, G replaced by A.
Protein change: p.Ala74Thr; replaces alanine 74 with threonine.
Molecular consequence: missense variant. On other transcripts: 5 prime UTR variant (1).
Genome position (GRCh38, 1-based): chr1:1,516,026, G>A. VCF-style: chr1-1516026-G-A. GRCh37 (hg19) VCF-style: chr1-1451406-G-A.
Other names: c.-18G>A (NM_001170536.3); c.220G>A, p.Ala74Thr (NM_018188.5); short protein forms A74T.
Identifiers: ClinVar variation 3600846 (VCV003600846.1).